The following is an entry in ClinVar:

NM_006031.6(PCNT):c.8138C>T (p.Thr2713Met)

Gene: PCNT (pericentrin; plus strand). Cytogenetic location: 21q22.3.
Variant type: single nucleotide variant.
Coding change: c.8138C>T on transcript NM_006031.6 (MANE Select); coding-DNA position 8138, C replaced by T.
Protein change: p.Thr2713Met; replaces threonine 2713 with methionine.
Molecular consequence: missense variant.
Genome position (GRCh38, 1-based): chr21:46,431,602, C>T. VCF-style: chr21-46431602-C-T. GRCh37 (hg19) VCF-style: chr21-47851516-C-T.
Other names: c.7784C>T, p.Thr2595Met (NM_001315529.2); short protein forms T2595M, T2713M.
Identifiers: ClinVar variation 2634268 (VCV002634268.5), dbSNP rs780326768, ClinGen allele CA10080900.
Genomic context (GRCh38, chr21:46,431,602, plus strand): 5'-CTTTGGAGACACAGCGTGCTCAGAGCAGTCGACTCTGCGTGGCACTGAAACACGAGCAGA[C>T]GGCCAAGGACAACCTGCAGAAGGAGCTGCGTATCGAGCACTCACGCTGCGAGGCCTTGCT-3'
Protein context (NP_006022.3, residues 2703-2723): RLCVALKHEQ[Thr2713Met]AKDNLQKELR

ClinVar aggregate classification (germline): Conflicting classifications of pathogenicity. Review status: criteria provided, conflicting classifications (1 of 4 stars). 3 submissions from 3 submitters: Uncertain significance (2); Likely benign (1). Last evaluated 2026-03-14.

Conditions:
Microcephalic osteodysplastic primordial dwarfism type II (MOPD2). Also called: Microcephalic osteodysplastic primordial dwarfism with tooth abnormalities; MOPD II; OSTEODYSPLASTIC PRIMORDIAL DWARFISM, TYPE II. Identifiers: Orphanet 2637, MedGen C0432246, MONDO:0008872, OMIM 210720.
PCNT-related disorder. Also called: PCNT-related condition.

Allele frequency attached by ClinVar (database versions not stated): gnomAD 0.00002; TOPMed 0.00003.
gnomAD v4.1: 30 of 1,613,948 alleles (0.0019%); highest among the groups gnomAD compares: Middle Eastern, 0.049%; no homozygotes.

Submissions (3):

PreventionGenetics, part of Exact Sciences
Classification: Uncertain significance for PCNT-related condition. Last evaluated: 2026-03-14. Review status: criteria provided, single submitter. Criteria: ACMG Guidelines, 2015. Collection method: clinical testing. Allele origin: germline.
Comment: The PCNT c.8138C>T variant is predicted to result in the amino acid substitution p.Thr2713Met. To our knowledge, this variant has not been reported in the literature. This variant is reported in 0.049% of alleles in individuals of Latino descent in gnomAD. At this time, the clinical significance of this variant is uncertain due to the absence of conclusive functional and genetic evidence.

Labcorp Genetics (formerly Invitae), Labcorp
Classification: Uncertain significance. Last evaluated: 2024-10-29. Review status: criteria provided, single submitter. Criteria: Invitae Variant Classification Sherloc (09022015). Collection method: clinical testing. Allele origin: germline.
Comment: This sequence change replaces threonine, which is neutral and polar, with methionine, which is neutral and non-polar, at codon 2713 of the PCNT protein (p.Thr2713Met). This variant is present in population databases (rs780326768, gnomAD 0.05%). This variant has not been reported in the literature in individuals affected with PCNT-related conditions. ClinVar contains an entry for this variant (Variation ID: 2634268). An algorithm developed to predict the effect of missense changes on protein structure and function outputs the following: PolyPhen-2: "Benign". The methionine amino acid residue is found in multiple mammalian species, which suggests that this missense change does not adversely affect protein function. In summary, the available evidence is currently insufficient to determine the role of this variant in disease. Therefore, it has been classified as a Variant of Uncertain Significance.

ARUP Laboratories, Molecular Genetics and Genomics, ARUP Laboratories
Classification: Likely benign for Microcephalic osteodysplastic primordial dwarfism type II. Last evaluated: 2024-01-18. Review status: criteria provided, single submitter. Criteria: ARUP Molecular Germline Variant Investigation Process 2024. Collection method: clinical testing. Allele origin: germline.